The following is an entry in ClinVar:

ClinVar aggregate classification (germline): Likely benign. Review status: criteria provided, single submitter (1 of 4 stars). 2 submissions from 2 submitters: Likely benign (1). 1 of the submissions does not count toward it. Last evaluated 2025-12-31.

Conditions:
NPC1-related disorder. Also called: NPC1-related condition.
Niemann-Pick disease, type C1. Also called: NEUROVISCERAL STORAGE DISEASE WITH VERTICAL SUPRANUCLEAR OPHTHALMOPLEGIA; NIEMANN-PICK DISEASE WITH CHOLESTEROL ESTERIFICATION BLOCK; NIEMANN-PICK DISEASE WITHOUT SPHINGOMYELINASE DEFICIENCY; NIEMANN-PICK DISEASE, CHRONIC NEURONOPATHIC FORM; NIEMANN-PICK DISEASE, VARIANT TYPE C1. Identifiers: Orphanet 646, MedGen C3179455, MONDO:0009757, OMIM 257220.

Submissions (2):

Labcorp Genetics (formerly Invitae), Labcorp
Classification: Likely benign for Niemann-Pick disease, type C1. Last evaluated: 2025-12-31. Review status: criteria provided, single submitter. Criteria: Invitae Variant Classification Sherloc (09022015). Collection method: clinical testing. Allele origin: germline.

PreventionGenetics, part of Exact Sciences
Classification: Likely benign for NPC1-related condition. Last evaluated: 2024-07-29. Review status: no assertion criteria provided. Collection method: clinical testing. Allele origin: germline. Not counted in ClinVar's aggregate classification.
Comment: This variant is classified as likely benign based on ACMG/AMP sequence variant interpretation guidelines (Richards et al. 2015 PMID: 25741868, with internal and published modifications).

NM_000271.5(NPC1):c.1947+15_1947+16insGGGC

Gene: NPC1 (NPC intracellular cholesterol transporter 1; minus strand). Cytogenetic location: 18q11.2.
Variant type: Insertion.
Coding change: c.1947+15_1947+16insGGGC on transcript NM_000271.5 (MANE Select); bases 15 to 16 of the intron after coding-DNA position 1947, GGGC inserted.
Molecular consequence: intron variant.
Genome position: GRCh38 VCF-style: chr18-23544944-C-CCCCG. GRCh37 (hg19) VCF-style: chr18-21124908-C-CCCCG.
Other names: c.1947+15_1947+16insCGGG (NM_000271.4).
Identifiers: ClinVar variation 1582485 (VCV001582485.9), dbSNP rs1555634625, ClinGen allele CA2290168327.